The following is an entry in ClinVar:

ClinVar aggregate classification (germline): Uncertain significance. Review status: criteria provided, multiple submitters, no conflicts (2 of 4 stars). 5 submissions from 5 submitters: Uncertain significance (5). Last evaluated 2026-01-29.

Conditions:
Inborn genetic diseases. Identifiers: MedGen C0950123, MeSH D030342.
Pfeiffer syndrome (ACS5). Also called: ACS V. Identifiers: Orphanet 710, MedGen C0220658, MONDO:0007043, OMIM 101600.
Hypogonadotropic hypogonadism 2 with or without anosmia (HH2). Also called: FGFR1-Related GnRH Deficiency (Kallmann Syndrome 2); HYPOGONADOTROPIC HYPOGONADISM 2 WITH OR WITHOUT ANOSMIA, SUSCEPTIBILITY TO; HYPOGONADOTROPIC HYPOGONADISM 2 WITHOUT ANOSMIA, SUSCEPTIBILITY TO; HYPOGONADOTROPIC HYPOGONADISM 2 WITHOUT ANOSMIA. Identifiers: Orphanet 478, MedGen C1563720, MONDO:0007844, OMIM 147950. Disease mechanism: loss of function.

Allele frequency attached by ClinVar (database versions not stated): ExAC 0.00001; TOPMed 0.00002; gnomAD 0.00003.
gnomAD v4.1: 17 of 1,613,840 alleles (0.0011%); highest among the groups gnomAD compares: Admixed American, 0.0033%; no homozygotes.

Submissions (5):

Dasa
Classification: Uncertain significance. Last evaluated: 2026-01-29. Review status: criteria provided, single submitter. Criteria: DASA Assertion Criteria. Collection method: clinical testing. Allele origin: germline.
Comment: NM_023110.3(FGFR1):c.2383G>A (p.Val795Ile) is a missense variant that results in the substitution of valine with isoleucine. This variant has been recurrently observed in individuals with FGFR1-related disorders (PMID: 33548149; PMID: 16882753). Also, this variant is rare in population databases. Computational prediction algorithms are consistent with a deleterious effect. The currently available literature and clinical evidence are not sufficient to establish a definitive association between this variant and the reported condition. Therefore, this variant is classified as a variant of uncertain significance.

Labcorp Genetics (formerly Invitae), Labcorp
Classification: Uncertain significance for Pfeiffer syndrome; Hypogonadotropic hypogonadism 2 with or without anosmia. Last evaluated: 2025-03-16. Review status: criteria provided, single submitter. Criteria: Invitae Variant Classification Sherloc (09022015). Collection method: clinical testing. Allele origin: germline.
Comment: This sequence change replaces valine, which is neutral and non-polar, with isoleucine, which is neutral and non-polar, at codon 795 of the FGFR1 protein (p.Val795Ile). This variant is present in population databases (rs781328162, gnomAD 0.01%). This missense change has been observed in individuals with Kallmann syndrome (PMID: 16882753, 33548149, 37805574). ClinVar contains an entry for this variant (Variation ID: 2262337). Invitae Evidence Modeling of protein sequence and biophysical properties (such as structural, functional, and spatial information, amino acid conservation, physicochemical variation, residue mobility, and thermodynamic stability) indicates that this missense variant is not expected to disrupt FGFR1 protein function with a negative predictive value of 80%. In summary, the available evidence is currently insufficient to determine the role of this variant in disease. Therefore, it has been classified as a Variant of Uncertain Significance.

Reproductive Endocrine Unit, Massachusetts General Hospital
Classification: Uncertain significance for Hypogonadotropic hypogonadism 2 with or without anosmia. Last evaluated: 2023-05-04. Review status: criteria provided, single submitter. Criteria: ACMG Guidelines, 2015. Collection method: research. Allele origin: unknown. Affected: yes. Observed: 1 variant allele.

Blueprint Genetics
Classification: Uncertain significance. Last evaluated: 2022-11-08. Review status: criteria provided, single submitter. Criteria: ACMG Guidelines, 2015. Collection method: clinical testing. Allele origin: germline.

Ambry Genetics
Classification: Uncertain significance for Inborn genetic diseases. Last evaluated: 2022-01-12. Review status: criteria provided, single submitter. Criteria: Ambry Variant Classification Scheme 2023. Collection method: clinical testing. Allele origin: germline.
Comment: (Trarbach, 2006) Based on insufficient or conflicting evidence, the clinical significance of this alteration remains unclear.

Literature cited by the submitters: PubMed 33548149 (cited by Dasa and Labcorp Genetics (formerly Invitae), Labcorp); PubMed 16882753 (cited by 3 submitters); PubMed 37805574 (cited by Labcorp Genetics (formerly Invitae), Labcorp).

NM_023110.3(FGFR1):c.2383G>A (p.Val795Ile)

Gene: FGFR1 (fibroblast growth factor receptor 1; minus strand). Cytogenetic location: 8p11.23.
Variant type: single nucleotide variant.
Coding change: c.2383G>A on transcript NM_023110.3 (MANE Select); coding-DNA position 2383, G replaced by A.
Protein change: p.Val795Ile; replaces valine 795 with isoleucine.
Molecular consequence: missense variant. On other transcripts: intron variant (3).
Genome position (GRCh38, 1-based): chr8:38,413,714, C>T on the plus strand (G>A on the coding strand, the complement: FGFR1 is on the minus strand). VCF-style: chr8-38413714-C-T. GRCh37 (hg19) VCF-style: chr8-38271232-C-T.
Other names: c.2383G>A, p.Val795Ile (NM_000604.2); c.2377G>A, p.Val793Ile (NM_001174063.2, NM_001174065.2, NM_015850.4); c.2353G>A, p.Val785Ile (NM_001174064.2); c.2116G>A, p.Val706Ile (NM_001174066.2, NM_023105.3); c.2476G>A, p.Val826Ile (NM_001174067.2); c.2104G>A, p.Val702Ile (NM_001354368.2); c.2371G>A, p.Val791Ile (NM_001410922.1); c.2110G>A, p.Val704Ile (NM_023106.3); and 3 more; short protein forms V791I, V795I, V826I, V702I, V706I, V704I, V785I, V793I.
Identifiers: ClinVar variation 2262337 (VCV002262337.8), dbSNP rs781328162, ClinGen allele CA4718085.